The following is an entry in ClinVar:

NM_001378778.1(MPDZ):c.3758C>T (p.Ser1253Phe)

Gene: MPDZ (multiple PDZ domain crumbs cell polarity complex component; minus strand). Cytogenetic location: 9p23.
Variant type: single nucleotide variant.
Coding change: c.3758C>T on transcript NM_001378778.1 (MANE Select); coding-DNA position 3758, C replaced by T.
Protein change: p.Ser1253Phe; replaces serine 1253 with phenylalanine.
Molecular consequence: missense variant. On other transcripts: intron variant (14).
Genome position (GRCh38, 1-based): chr9:13,143,548, G>A on the plus strand (C>T on the coding strand, the complement: MPDZ is on the minus strand). VCF-style: chr9-13143548-G-A. GRCh37 (hg19) VCF-style: chr9-13143547-G-A.
Other names: c.3758C>T, p.Ser1253Phe (NM_001330637.2, NM_001375413.1, NM_003829.5); c.3631-3399C>T (NM_001375425.1, NM_001375420.1, NM_001375423.1 and 4 more transcripts); c.3742-3399C>T (NM_001375419.1, NM_001375416.1, NM_001375418.1 and 3 more transcripts); c.3433-3399C>T (NM_001375427.1); short protein forms S1253F.
Identifiers: ClinVar variation 1372108 (VCV001372108.8), dbSNP rs1948020365, ClinGen allele CA372950153.

ClinVar aggregate classification (germline): Uncertain significance (1 of 4 stars; one submission).

Allele frequency attached by ClinVar (database versions not stated): gnomAD exomes below 0.00001.
gnomAD v4.1: 2 of 1,612,792 alleles (0.00012%); highest among the groups gnomAD compares: East Asian, 0.0022%; no homozygotes.

Submission:

Labcorp Genetics (formerly Invitae), Labcorp
Classification: Uncertain significance. Last evaluated: 2021-04-12. Review status: criteria provided, single submitter. Criteria: Invitae Variant Classification Sherloc (09022015). Collection method: clinical testing. Allele origin: germline.
Comment: This sequence change replaces serine with phenylalanine at codon 1253 of the MPDZ protein (p.Ser1253Phe). The serine residue is highly conserved and there is a large physicochemical difference between serine and phenylalanine. This variant is not present in population databases (ExAC no frequency). This variant has not been reported in the literature in individuals with MPDZ-related conditions. Algorithms developed to predict the effect of missense changes on protein structure and function are either unavailable or do not agree on the potential impact of this missense change (SIFT: "Deleterious"; PolyPhen-2: "Benign"; Align-GVGD: "Class C65"). In summary, the available evidence is currently insufficient to determine the role of this variant in disease. Therefore, it has been classified as a Variant of Uncertain Significance.